The following is an entry in ClinVar:

ClinVar aggregate classification (germline): Conflicting classifications of pathogenicity. Review status: criteria provided, conflicting classifications (1 of 4 stars). 6 submissions from 6 submitters: Uncertain significance (5); Likely benign (1). Last evaluated 2025-12-14.

Conditions:
Cardiovascular phenotype. Identifiers: MedGen CN230736.
Brittle cornea syndrome 1 (BCS1). Also called: Corneal fragility keratoglobus, blue sclerae AND joint hypermobility; CORNEAL FRAGILITY, KERATOGLOBUS, BLUE SCLERAE, JOINT HYPEREXTENSIBILITY; EDS6B; FRAGILITAS OCULI WITH JOINT HYPEREXTENSIBILITY; DYSGENESIS MESODERMALIS CORNEAE ET SCLERAE. Identifiers: Orphanet 90354, MedGen C0268344, MONDO:0024543, OMIM 229200.
ZNF469-related disorder. Also called: ZNF469-related condition.

Allele frequency attached by ClinVar (database versions not stated): gnomAD exomes 0.00004 and 0.00006; TOPMed 0.00006; gnomAD 0.00007; 1000 Genomes Project 30x 0.00016.
gnomAD v4.1: 90 of 1,549,860 alleles (0.0058%); highest among the groups gnomAD compares: Middle Eastern, 0.017%; 1 homozygote.

Submissions (6):

Women's Health and Genetics/Laboratory Corporation of America, LabCorp
Classification: Uncertain significance. Last evaluated: 2025-12-14. Review status: criteria provided, single submitter. Criteria: LabCorp Variant Classification Summary - May 2015. Collection method: clinical testing. Allele origin: germline.
Comment: Variant summary: ZNF469 c.585C>G (p.Asn195Lys) results in a non-conservative amino acid change in the encoded protein sequence. Algorithms developed to predict the effect of missense changes on protein structure and function are either unavailable or do not agree on the potential impact of this missense change. The variant allele was found at a frequency of 4e-05 in 148368 control chromosomes. The available data on variant occurrences in the general population are insufficient to allow any conclusion about variant significance. To our knowledge, no occurrence of c.585C>G in individuals affected with ZNF469-related conditions and no experimental evidence demonstrating its impact on protein function have been reported. ClinVar contains an entry for this variant (Variation ID: 452044). Based on the evidence outlined above, the variant was classified as uncertain significance.

Ambry Genetics
Classification: Likely benign for Cardiovascular phenotype. Last evaluated: 2025-03-27. Review status: criteria provided, single submitter. Criteria: Ambry Variant Classification Scheme 2023. Collection method: clinical testing. Allele origin: germline.

Labcorp Genetics (formerly Invitae), Labcorp
Classification: Uncertain significance. Last evaluated: 2024-10-11. Review status: criteria provided, single submitter. Criteria: Invitae Variant Classification Sherloc (09022015). Collection method: clinical testing. Allele origin: germline.
Comment: This sequence change replaces asparagine, which is neutral and polar, with lysine, which is basic and polar, at codon 195 of the ZNF469 protein (p.Asn195Lys). This variant is present in population databases (no rsID available, gnomAD 0.007%). This variant has not been reported in the literature in individuals affected with ZNF469-related conditions. ClinVar contains an entry for this variant (Variation ID: 452044). An algorithm developed to predict the effect of missense changes on protein structure and function (PolyPhen-2) suggests that this variant¬†is likely to be tolerated. In summary, the available evidence is currently insufficient to determine the role of this variant in disease. Therefore, it has been classified as a Variant of Uncertain Significance.

PreventionGenetics, part of Exact Sciences
Classification: Uncertain significance for ZNF469-related condition. Last evaluated: 2023-09-08. Review status: criteria provided, single submitter. Criteria: ACMG Guidelines, 2015. Collection method: clinical testing. Allele origin: germline.
Comment: The ZNF469 c.585C>G variant is predicted to result in the amino acid substitution p.Asn195Lys. To our knowledge, this variant has not been reported in the literature. This variant is reported in 0.0071% of alleles in individuals of European (Non-Finnish) descent in gnomAD. At this time, the clinical significance of this variant is uncertain due to the absence of conclusive functional and genetic evidence.

Fulgent Genetics
Classification: Uncertain significance for Brittle cornea syndrome 1. Last evaluated: 2021-12-01. Review status: criteria provided, single submitter. Criteria: ACMG Guidelines, 2015. Collection method: clinical testing. Allele origin: unknown.

GeneDx
Classification: Uncertain significance. Last evaluated: 2021-06-09. Review status: criteria provided, single submitter. Criteria: GeneDx Variant Classification Process June 2021. Collection method: clinical testing. Allele origin: germline. Affected: yes.
Comment: Has not been reported in peer-reviewed literature to our knowledge; Not observed at a significant frequency in large population cohorts (Lek et al., 2016); In silico analysis, which includes protein predictors and evolutionary conservation, supports that this variant does not alter protein structure/function; This variant is associated with the following publications: (PMID: 27535533, Liu2015[meetingabstract])

NM_001367624.2(ZNF469):c.585C>G (p.Asn195Lys)

Gene: ZNF469 (zinc finger protein 469; plus strand). Cytogenetic location: 16q24.2.
Variant type: single nucleotide variant.
Coding change: c.585C>G on transcript NM_001367624.2 (MANE Select); coding-DNA position 585, C replaced by G.
Protein change: p.Asn195Lys; replaces asparagine 195 with lysine.
Molecular consequence: missense variant.
Genome position (GRCh38, 1-based): chr16:88,428,055, C>G. VCF-style: chr16-88428055-C-G. GRCh37 (hg19) VCF-style: chr16-88494463-C-G.
Other names: NM_001127464.1:c.585C>G; NM_001127464.2:c.585C>G; short protein forms N195K.
Identifiers: ClinVar variation 452044 (VCV000452044.8), dbSNP rs896312288, ClinGen allele CA286371735.